The following is an entry in ClinVar:

NM_001370259.2(MEN1):c.1206C>T (p.Ser402=)

Gene: MEN1 (menin 1; minus strand). Cytogenetic location: 11q13.1.
Variant type: single nucleotide variant.
Coding change: c.1206C>T on transcript NM_001370259.2 (MANE Select); coding-DNA position 1206, C replaced by T.
Protein change: p.Ser402=; no amino-acid change (serine 402 retained).
Molecular consequence: synonymous variant.
Genome position (GRCh38, 1-based): chr11:64,805,178, G>A on the plus strand (C>T on the coding strand, the complement: MEN1 is on the minus strand). VCF-style: chr11-64805178-G-A. GRCh37 (hg19) VCF-style: chr11-64572650-G-A.
Other names: c.1221C>T, p.Ser407= (NM_130800.3, NM_130801.3, NM_130802.3 and 3 more transcripts); c.1332C>T, p.Ser444= (NM_001370251.2); c.1206C>T, p.Ser402= (NM_001370260.2, NM_001370261.2, NM_130799.3); c.1101C>T, p.Ser367= (NM_001370262.2, NM_001370263.2).
Identifiers: ClinVar variation 412583 (VCV000412583.20), dbSNP rs770037856, ClinGen allele CA060291.

ClinVar aggregate classification (germline): Benign/Likely benign. Review status: criteria provided, multiple submitters, no conflicts (2 of 4 stars). 6 submissions from 6 submitters: Benign (1); Likely benign (5). Last evaluated 2026-04-21.

Conditions:
MEN1-related disorder. Also called: MEN1-related condition.
Hereditary cancer-predisposing syndrome. Also called: Neoplastic Syndromes, Hereditary; Tumor predisposition; Hereditary Cancer Syndrome; Hereditary neoplastic syndrome. Identifiers: Orphanet 140162, MedGen C0027672, MeSH D009386, MONDO:0015356.
Multiple endocrine neoplasia, type 1 (MEN1). Also called: MEN I; WERMER SYNDROME; Endocrine adenomatosis multiple; MEN 1; MEA I. Identifiers: Orphanet 652, MedGen C0025267, MeSH D018761, MONDO:0007540, OMIM 131100.

Allele frequency attached by ClinVar (database versions not stated): gnomAD 0.00001 and 0.00002.
gnomAD v4.1: 14 of 1,613,716 alleles (0.00087%); highest among the groups gnomAD compares: Middle Eastern, 0.017%; no homozygotes.

Submissions (6):

PreventionGenetics, part of Exact Sciences
Classification: Likely benign for MEN1-related condition. Last evaluated: 2026-04-21. Review status: criteria provided, single submitter. Criteria: ACMG Guidelines, 2015. Collection method: clinical testing. Allele origin: germline.
Comment: This variant is classified as likely benign based on ACMG/AMP sequence variant interpretation guidelines (Richards et al. 2015 PMID: 25741868, with internal and published modifications).

Labcorp Genetics (formerly Invitae), Labcorp
Classification: Likely benign for Multiple endocrine neoplasia, type 1. Last evaluated: 2026-01-13. Review status: criteria provided, single submitter. Criteria: Invitae Variant Classification Sherloc (09022015). Collection method: clinical testing. Allele origin: germline.

Myriad Genetics, Inc.
Classification: Benign for Multiple endocrine neoplasia, type 1. Last evaluated: 2024-11-05. Review status: criteria provided, single submitter. Criteria: Myriad Autosomal Dominant, Autosomal Recessive and X-Linked Classification Criteria (2023). Collection method: clinical testing. Allele origin: unknown.
Comment: This variant is considered benign. This variant is a silent/synonymous amino acid change and it is not expected to impact splicing.

All of Us Research Program, National Institutes of Health
Classification: Likely benign for Multiple endocrine neoplasia, type 1. Last evaluated: 2024-08-06. Review status: criteria provided, single submitter. Criteria: ACMG Guidelines, 2015. Collection method: clinical testing. Allele origin: germline. Inheritance: Autosomal dominant inheritance. Observed: 5 variant alleles, 5 heterozygotes.
Comment: This study involves interpretation of variants in research participants for the purpose of population health screening. Participant phenotype was not available at the time of variant classification. Additional details can be found in publication PMID: 35346344, PMCID: PMC8962531

Color Diagnostics, LLC DBA Color Health
Classification: Likely benign for Multiple endocrine neoplasia, type 1. Last evaluated: 2024-06-11. Review status: criteria provided, single submitter. Criteria: ACMG Guidelines, 2015. Collection method: clinical testing. Allele origin: germline.

Ambry Genetics
Classification: Likely benign for Hereditary cancer-predisposing syndrome. Last evaluated: 2017-11-22. Review status: criteria provided, single submitter. Criteria: Ambry Variant Classification Scheme 2023. Collection method: clinical testing. Allele origin: germline.